The following is an entry in ClinVar:

ClinVar aggregate classification (germline): Uncertain significance. Review status: criteria provided, multiple submitters, no conflicts (2 of 4 stars). 2 submissions from 2 submitters: Uncertain significance (2). Last evaluated 2026-01-06.

Allele frequency attached by ClinVar (database versions not stated): gnomAD exomes 0.00004; ExAC 0.00008; TOPMed 0.00008; 1000 Genomes Project 0.00020; 1000 Genomes Project 30x 0.00031.
gnomAD v4.1: 55 of 1,613,936 alleles (0.0034%); highest among the groups gnomAD compares: African/African-American, 0.02%; no homozygotes.

Submissions (2):

Labcorp Genetics (formerly Invitae), Labcorp
Classification: Uncertain significance. Last evaluated: 2026-01-06. Review status: criteria provided, single submitter. Criteria: Invitae Variant Classification Sherloc (09022015). Collection method: clinical testing. Allele origin: germline.
Comment: This sequence change replaces arginine, which is basic and polar, with proline, which is neutral and non-polar, at codon 308 of the RIMS1 protein (p.Arg308Pro). This variant is present in population databases (rs552247029, gnomAD 0.02%). This variant has not been reported in the literature in individuals affected with RIMS1-related conditions. ClinVar contains an entry for this variant (Variation ID: 1382096). An algorithm developed to predict the effect of missense changes on protein structure and function (PolyPhen-2) suggests that this variant is likely to be disruptive. In summary, the available evidence is currently insufficient to determine the role of this variant in disease. Therefore, it has been classified as a Variant of Uncertain Significance.

Ambry Genetics
Classification: Uncertain significance. Last evaluated: 2025-11-24. Review status: criteria provided, single submitter. Criteria: Ambry Variant Classification Scheme 2023. Collection method: clinical testing. Allele origin: germline.

NM_014989.7(RIMS1):c.923G>C (p.Arg308Pro)

Gene: RIMS1 (regulating synaptic membrane exocytosis 1; plus strand). Cytogenetic location: 6q13.
Variant type: single nucleotide variant.
Coding change: c.923G>C on transcript NM_014989.7 (MANE Select); coding-DNA position 923, G replaced by C.
Protein change: p.Arg308Pro; replaces arginine 308 with proline.
Molecular consequence: missense variant.
Genome position (GRCh38, 1-based): chr6:72,182,394, G>C. VCF-style: chr6-72182394-G-C. GRCh37 (hg19) VCF-style: chr6-72892097-G-C.
Other names: c.923G>C (NM_014989.4); short protein forms R308P.
Identifiers: ClinVar variation 1382096 (VCV001382096.7), dbSNP rs552247029, ClinGen allele CA3885620.